The following is an entry in ClinVar:

NM_018109.4(MTPAP):c.227G>A (p.Arg76Gln)

Gene: MTPAP (mitochondrial poly(A) polymerase; minus strand). Cytogenetic location: 10p11.23.
Variant type: single nucleotide variant.
Coding change: c.227G>A on transcript NM_018109.4 (MANE Select); coding-DNA position 227, G replaced by A.
Protein change: p.Arg76Gln; replaces arginine 76 with glutamine.
Molecular consequence: missense variant.
Genome position (GRCh38, 1-based): chr10:30,341,571, C>T on the plus strand (G>A on the coding strand, the complement: MTPAP is on the minus strand). VCF-style: chr10-30341571-C-T. GRCh37 (hg19) VCF-style: chr10-30630500-C-T.
Other names: short protein forms R76Q.
Identifiers: ClinVar variation 377198 (VCV000377198.7), dbSNP rs765906039, ClinGen allele CA5459247.

ClinVar aggregate classification (germline): Uncertain significance. Review status: criteria provided, multiple submitters, no conflicts (2 of 4 stars). 2 submissions from 2 submitters: Uncertain significance (2). Last evaluated 2023-04-05.

Allele frequency attached by ClinVar (database versions not stated): gnomAD exomes 0.00001; TOPMed 0.00001; ExAC 0.00002; gnomAD 0.00003.
gnomAD v4.1: 13 of 1,613,890 alleles (0.00081%); highest among the groups gnomAD compares: South Asian, 0.0022%; no homozygotes.

Submissions (2):

Labcorp Genetics (formerly Invitae), Labcorp
Classification: Uncertain significance. Last evaluated: 2023-04-05. Review status: criteria provided, single submitter. Criteria: Invitae Variant Classification Sherloc (09022015). Collection method: clinical testing. Allele origin: germline.
Comment: This variant is present in population databases (rs765906039, gnomAD 0.003%). This sequence change replaces arginine, which is basic and polar, with glutamine, which is neutral and polar, at codon 76 of the MTPAP protein (p.Arg76Gln). This variant has not been reported in the literature in individuals affected with MTPAP-related conditions. ClinVar contains an entry for this variant (Variation ID: 377198). Advanced modeling of protein sequence and biophysical properties (such as structural, functional, and spatial information, amino acid conservation, physicochemical variation, residue mobility, and thermodynamic stability) has been performed at Invitae for this missense variant, however the output from this modeling did not meet the statistical confidence thresholds required to predict the impact of this variant on MTPAP protein function. In summary, the available evidence is currently insufficient to determine the role of this variant in disease. Therefore, it has been classified as a Variant of Uncertain Significance.

Center for Pediatric Genomic Medicine, Children's Mercy Hospital and Clinics
Classification: Uncertain significance. Last evaluated: 2016-12-30. Review status: criteria provided, single submitter. Criteria: ACMG Guidelines, 2015. Collection method: clinical testing. Allele origin: germline.
ClinVar note: Converted during submission from Uncertain Significance to Uncertain significance.